The following is an entry in ClinVar:

NM_002739.5(PRKCG):c.1497T>C (p.Phe499=)

Gene: PRKCG (protein kinase C gamma; plus strand). Cytogenetic location: 19q13.42.
Variant type: single nucleotide variant.
Coding change: c.1497T>C on transcript NM_002739.5 (MANE Select); coding-DNA position 1497, T replaced by C.
Protein change: p.Phe499=; no amino-acid change (phenylalanine 499 retained).
Molecular consequence: synonymous variant.
Genome position (GRCh38, 1-based): chr19:53,900,671, T>C. VCF-style: chr19-53900671-T-C. GRCh37 (hg19) VCF-style: chr19-54403925-T-C.
Other names: p.Phe499=; c.1497T>C (LRG_669t1); c.1497T>C, p.Phe499= (NM_001316329.2).
Identifiers: ClinVar variation 194378 (VCV000194378.13), dbSNP rs2242244, ClinGen allele CA201151.

ClinVar aggregate classification (germline): Benign. Review status: criteria provided, multiple submitters, no conflicts (2 of 4 stars). 5 submissions from 5 submitters: Benign (5). Last evaluated 2022-03-24.

Conditions:
Spinocerebellar ataxia type 14 (SCA14). Identifiers: Orphanet 98763, MedGen C1854369, MONDO:0011540, OMIM 605361.

Allele frequency attached by ClinVar (database versions not stated): gnomAD exomes 0.01481 and 0.03013; ESP Exome Variant Server 0.03091; ExAC 0.03120; gnomAD 0.03204 and 0.03341; TOPMed 0.03756; 1000 Genomes Project 0.06050; 1000 Genomes Project 30x 0.06230.
gnomAD v4.1: 27,135 of 1,614,200 alleles (1.7%); highest among the groups gnomAD compares: East Asian, 15%; 1,002 homozygotes.

Submissions (5):

Mayo Clinic Laboratories, Mayo Clinic
Classification: Benign. Last evaluated: 2022-03-24. Review status: criteria provided, single submitter. Criteria: ACMG Guidelines, 2015. Collection method: clinical testing. Allele origin: germline. Observed: 38 variant alleles.

GeneDx
Classification: Benign. Last evaluated: 2021-05-05. Review status: criteria provided, single submitter. Criteria: GeneDx Variant Classification Process June 2021. Collection method: clinical testing. Allele origin: germline. Affected: yes.

Illumina Laboratory Services, Illumina
Classification: Benign for Spinocerebellar ataxia type 14. Last evaluated: 2018-01-13. Review status: criteria provided, single submitter. Criteria: ICSL Variant Classification Criteria 13 December 2019. Collection method: clinical testing. Allele origin: germline.
Comment: This variant was observed in the ICSL laboratory as part of a predisposition screen in an ostensibly healthy population. It had not been previously curated by ICSL or reported in the Human Gene Mutation Database (HGMD: prior to June 1st, 2018), and was therefore a candidate for classification through an automated scoring system. Utilizing variant allele frequency, disease prevalence and penetrance estimates, and inheritance mode, an automated score was calculated to assess if this variant is too frequent to cause the disease. Based on the score and internal cut-off values, a variant classified as benign is not then subjected to further curation. The score for this variant resulted in a classification of benign for this disease.

Eurofins Ntd Llc (ga)
Classification: Benign. Last evaluated: 2014-11-08. Review status: criteria provided, single submitter. Criteria: EGL Classification Definitions 2015. Collection method: clinical testing. Allele origin: germline. Observed: 1 variant allele, 1 heterozygote.

Breakthrough Genomics
Classification: Benign. Review status: criteria provided, single submitter. Criteria: ACMG Guidelines, 2015. Collection method: not provided. Allele origin: germline. Inheritance: Autosomal dominant inheritance. Affected: yes.